The following is an entry in ClinVar:

ClinVar aggregate classification (germline): Pathogenic (1 of 4 stars; one submission).

Conditions:
Carney-Stratakis syndrome. Also called: PARAGANGLIOMA AND GASTROINTESTINAL STROMAL TUMOR. Identifiers: Orphanet 97286, MedGen C1847319, MONDO:0011740, OMIM 606864.
Pheochromocytoma. Also called: MAX-Related Hereditary Paraganglioma-Pheochromocytoma Syndrome. Identifiers: Orphanet 29072, MedGen C0031511, MONDO:0008233, OMIM 171300, HP:0002666.
Pheochromocytoma/paraganglioma syndrome 1. Also called: Paragangliomas 1; Glomus tumors familial 1; Paraganglioma - glomus jugulare; SDHD-Related Hereditary Paraganglioma-Pheochromocytoma Syndrome; PARAGANGLIOMAS, FAMILIAL NONCHROMAFFIN, 1; PGL 1. Identifiers: Orphanet 29072, MedGen C3494181, MONDO:0008192, OMIM 168000.
Cowden syndrome 3 (CWS3). Identifiers: Orphanet 201, MedGen CN166604, MONDO:0014045.

Submission:

Labcorp Genetics (formerly Invitae), Labcorp
Classification: Pathogenic for Paraganglioma and gastric stromal sarcoma; Paragangliomas 1; Pheochromocytoma; Cowden syndrome 3. Last evaluated: 2019-09-18. Review status: criteria provided, single submitter. Criteria: Invitae Variant Classification Sherloc (09022015). Collection method: clinical testing. Allele origin: germline.
Comment: A gross deletion of the genomic region encompassing the full coding sequence of the SDHD gene has been identified. The boundaries of this event are unknown as the deletion extends beyond the assayed region for this gene and therefore may encompass additional genes. This variant has been observed to segregate with paraganglioma in a single family (PMID: 15531530). ClinVar contains an entry for this variant (Variation ID: 584168). Loss-of-function variants in SDHD are known to be pathogenic (PMID: 19454582, 19802898). For these reasons, this variant has been classified as Pathogenic.

Literature cited by the submitters: PubMed 15531530.

NC_000011.9:g.(?_111171709)_(111965694_?)del

Genes: HOATZ (HOATZ cilia and flagella associated protein; plus strand), CRYAB (crystallin alpha B; minus strand), DIXDC1 (DIX domain containing 1; plus strand), DLAT (dihydrolipoamide S-acetyltransferase; plus strand), FDXACB1 (ferredoxin-fold anticodon binding domain containing 1; minus strand) and 17 more. Cytogenetic location: 11q23.1.
Variant type: Deletion.
Identifiers: ClinVar variation 831566 (VCV000831566.2).